The following is an entry in ClinVar:

ClinVar aggregate classification (germline): Uncertain significance (1 of 4 stars; one submission).

Conditions:
Epidermodysplasia verruciformis. Identifiers: Orphanet 302, MedGen C0014522, MONDO:0009176.

Submission:

Labcorp Genetics (formerly Invitae), Labcorp
Classification: Uncertain significance for Epidermodysplasia verruciformis. Last evaluated: 2024-10-14. Review status: criteria provided, single submitter. Criteria: Invitae Variant Classification Sherloc (09022015). Collection method: clinical testing. Allele origin: germline.
Comment: This variant, c.1600_1602del, results in the deletion of 1 amino acid(s) of the TMC8 protein (p.Phe534del), but otherwise preserves the integrity of the reading frame. This variant is not present in population databases (gnomAD no frequency). This variant has not been reported in the literature in individuals affected with TMC8-related conditions. Experimental studies and prediction algorithms are not available or were not evaluated, and the functional significance of this variant is currently unknown. In summary, the available evidence is currently insufficient to determine the role of this variant in disease. Therefore, it has been classified as a Variant of Uncertain Significance.

NM_152468.5(TMC8):c.1594TTC[2] (p.Phe534del)

Gene: TMC8 (transmembrane channel like 8; plus strand). Cytogenetic location: 17q25.3.
Variant type: Microsatellite.
Coding change: c.1594TTC[2] on transcript NM_152468.5 (MANE Select); two copies in a row of the 3-base unit TTC starting at c.1594; the reference has three copies in a row; one copy, 3 bases deleted.
Protein change: p.Phe534del; deletes phenylalanine 534.
Molecular consequence: inframe deletion.
Genome position (GRCh38, 1-based): chr17:78,138,415-78,138,417, TTC deleted; deleting any 3 consecutive bases within chr17:78,138,408-78,138,417 gives the same sequence; the position shown is the placement nearest the transcript's 3' end. VCF-style (leftmost placement, unchanged base first): chr17-78138407-CCTT-C. GRCh37 (hg19) VCF-style: chr17-76134488-CCTT-C.
Other names: short protein forms F534del.
Identifiers: ClinVar variation 1473871 (VCV001473871.7), dbSNP rs1176579021, ClinGen allele CA775327392.
Genomic context (GRCh38, chr17:78,138,407, plus strand): 5'-AGTACACCCTCCTGAAGAACTCCAGGGCATCTTCGCGGCCCTTCCGTGCCTCCAGCTCCA[CCTT>C]CTTCTTCCAGCTAGTGCTCCTCCTGGGCCTGCTTCTGGCTGCAGTGCCCCTGGGCTATGT-3'